The following is an entry in ClinVar:

ClinVar aggregate classification (germline): Uncertain significance (1 of 4 stars; one submission).

gnomAD v4.1: 3 of 1,614,164 alleles (0.00019%); highest among the groups gnomAD compares: Non-Finnish European, 0.00017%; no homozygotes.

Submission:

Labcorp Genetics (formerly Invitae), Labcorp
Classification: Uncertain significance. Last evaluated: 2024-03-27. Review status: criteria provided, single submitter. Criteria: Invitae Variant Classification Sherloc (09022015). Collection method: clinical testing. Allele origin: germline.
Comment: This sequence change replaces glutamic acid, which is acidic and polar, with aspartic acid, which is acidic and polar, at codon 1409 of the POLE protein (p.Glu1409Asp). This variant is not present in population databases (gnomAD no frequency). This variant has not been reported in the literature in individuals affected with POLE-related conditions. ClinVar contains an entry for this variant (Variation ID: 1493276). Advanced modeling of protein sequence and biophysical properties (such as structural, functional, and spatial information, amino acid conservation, physicochemical variation, residue mobility, and thermodynamic stability) performed at Invitae indicates that this missense variant is not expected to disrupt POLE protein function with a negative predictive value of 80%. In summary, the available evidence is currently insufficient to determine the role of this variant in disease. Therefore, it has been classified as a Variant of Uncertain Significance.

NM_006231.4(POLE):c.4227A>T (p.Glu1409Asp)

Gene: POLE (DNA polymerase epsilon, catalytic subunit; minus strand). Cytogenetic location: 12q24.33.
Variant type: single nucleotide variant.
Coding change: c.4227A>T on transcript NM_006231.4 (MANE Select); coding-DNA position 4227, A replaced by T.
Protein change: p.Glu1409Asp; replaces glutamic acid 1409 with aspartic acid.
Molecular consequence: missense variant.
Genome position (GRCh38, 1-based): chr12:132,643,900, T>A on the plus strand (A>T on the coding strand, the complement: POLE is on the minus strand). VCF-style: chr12-132643900-T-A. GRCh37 (hg19) VCF-style: chr12-133220486-T-A.
Other names: short protein forms E1409D.
Identifiers: ClinVar variation 1493276 (VCV001493276.6), dbSNP rs1593736110, ClinGen allele CA387382118.